The following is an entry in ClinVar:

ClinVar aggregate classification (germline): Uncertain significance (1 of 4 stars; one submission).

Conditions:
Hereditary cancer-predisposing syndrome. Also called: Tumor predisposition; Neoplastic Syndromes, Hereditary; Hereditary neoplastic syndrome; Hereditary Cancer Syndrome. Identifiers: Orphanet 140162, MedGen C0027672, MeSH D009386, MONDO:0015356.

gnomAD v4.1: 1 of 1,613,646 alleles (0.000062%); highest among the groups gnomAD compares: Non-Finnish European, 0.000085%; no homozygotes.

Submission:

Ambry Genetics
Classification: Uncertain significance for Hereditary cancer-predisposing syndrome. Last evaluated: 2024-10-23. Review status: criteria provided, single submitter. Criteria: Ambry Variant Classification Scheme 2023. Collection method: clinical testing. Allele origin: germline.
Comment: The p.P297S variant (also known as c.889C>T), located in coding exon 7 of the SUFU gene, results from a C to T substitution at nucleotide position 889. The proline at codon 297 is replaced by serine, an amino acid with similar properties. This amino acid position is conserved. In addition, the in silico prediction for this alteration is inconclusive. Based on the available evidence, the clinical significance of this variant remains unclear.

NM_016169.4(SUFU):c.889C>T (p.Pro297Ser)

Gene: SUFU (SUFU negative regulator of hedgehog signaling; plus strand). Cytogenetic location: 10q24.32.
Variant type: single nucleotide variant.
Coding change: c.889C>T on transcript NM_016169.4 (MANE Select); coding-DNA position 889, C replaced by T.
Protein change: p.Pro297Ser; replaces proline 297 with serine.
Molecular consequence: missense variant.
Genome position (GRCh38, 1-based): chr10:102,597,272, C>T. VCF-style: chr10-102597272-C-T. GRCh37 (hg19) VCF-style: chr10-104357029-C-T.
Other names: c.889C>T, p.Pro297Ser (NM_001178133.2); short protein forms P297S.
Identifiers: ClinVar variation 3451142 (VCV003451142.1).